The following is an entry in ClinVar:

ClinVar aggregate classification (germline): Likely benign. Review status: criteria provided, multiple submitters, no conflicts (2 of 4 stars). 2 submissions from 2 submitters: Likely benign (2). Last evaluated 2026-06-01.

Allele frequency attached by ClinVar (database versions not stated): gnomAD 0.00008; TOPMed 0.00010; ExAC 0.00012; gnomAD exomes 0.00012 and 0.00016; ESP Exome Variant Server 0.00015.
gnomAD v4.1: 234 of 1,522,928 alleles (0.015%); highest among the groups gnomAD compares: Non-Finnish European, 0.018%; no homozygotes.

Submissions (2):

CeGaT Center for Human Genetics Tuebingen
Classification: Likely benign. Last evaluated: 2026-06-01. Review status: criteria provided, single submitter. Criteria: CeGaT Center For Human Genetics Tuebingen Variant Classification Criteria Version 2. Collection method: clinical testing. Allele origin: germline. Affected: yes. Observed: 1 variant allele.
Comment: RERE: BP4, BP7

Labcorp Genetics (formerly Invitae), Labcorp
Classification: Likely benign. Last evaluated: 2023-07-03. Review status: criteria provided, single submitter. Criteria: Invitae Variant Classification Sherloc (09022015). Collection method: clinical testing. Allele origin: germline.

NM_001042681.2(RERE):c.4383C>T (p.Ala1461=)

Gene: RERE (arginine-glutamic acid dipeptide repeats; minus strand). Cytogenetic location: 1p36.23.
Variant type: single nucleotide variant.
Coding change: c.4383C>T on transcript NM_001042681.2 (MANE Select); coding-DNA position 4383, C replaced by T.
Protein change: p.Ala1461=; no amino-acid change (alanine 1461 retained).
Molecular consequence: synonymous variant.
Genome position (GRCh38, 1-based): chr1:8,356,203, G>A on the plus strand (C>T on the coding strand, the complement: RERE is on the minus strand). VCF-style: chr1-8356203-G-A. GRCh37 (hg19) VCF-style: chr1-8416263-G-A.
Other names: c.2721C>T, p.Ala907= (NM_001042682.2); c.4383C>T, p.Ala1461= (NM_012102.4).
Identifiers: ClinVar variation 1549227 (VCV001549227.10), dbSNP rs201301030, ClinGen allele CA570803.